The following is an entry in ClinVar:

NM_001039660.2(IL18BP):c.253T>C (p.Ser85Pro)

Gene: IL18BP (interleukin 18 binding protein; plus strand). Cytogenetic location: 11q13.4.
Variant type: single nucleotide variant.
Coding change: c.253T>C on transcript NM_001039660.2 (MANE Select); coding-DNA position 253, T replaced by C.
Protein change: p.Ser85Pro; replaces serine 85 with proline.
Molecular consequence: missense variant. On other transcripts: intron variant (1).
Genome position (GRCh38, 1-based): chr11:72,001,218, T>C. VCF-style: chr11-72001218-T-C. GRCh37 (hg19) VCF-style: chr11-71712264-T-C.
Other names: c.253T>C, p.Ser85Pro (NM_001039659.2, NM_001145057.1, NM_005699.3 and 2 more transcripts); c.236-566T>C (NM_001145055.1); short protein forms S85P.
Identifiers: ClinVar variation 2876797 (VCV002876797.3), dbSNP rs763628352, ClinGen allele CA6166170.

ClinVar aggregate classification (germline): Uncertain significance (1 of 4 stars; one submission).

Allele frequency attached by ClinVar (database versions not stated): gnomAD 0.00001; gnomAD exomes below 0.00001; ExAC 0.00002.
gnomAD v4.1: 4 of 1,614,036 alleles (0.00025%); highest among the groups gnomAD compares: East Asian, 0.0089%; no homozygotes.

Submission:

Labcorp Genetics (formerly Invitae), Labcorp
Classification: Uncertain significance. Last evaluated: 2025-03-12. Review status: criteria provided, single submitter. Criteria: Invitae Variant Classification Sherloc (09022015). Collection method: clinical testing. Allele origin: germline.
Comment: This sequence change replaces serine, which is neutral and polar, with proline, which is neutral and non-polar, at codon 85 of the IL18BP protein (p.Ser85Pro). This variant is present in population databases (rs763628352, gnomAD 0.04%). This variant has not been reported in the literature in individuals affected with IL18BP-related conditions. ClinVar contains an entry for this variant (Variation ID: 2876797). An algorithm developed to predict the effect of missense changes on protein structure and function (PolyPhen-2) suggests that this variant is likely to be disruptive. In summary, the available evidence is currently insufficient to determine the role of this variant in disease. Therefore, it has been classified as a Variant of Uncertain Significance.